The following is an entry in ClinVar:

NM_024675.4(PALB2):c.1155A>G (p.Ala385=)

Gene: PALB2 (partner and localizer of BRCA2; minus strand). Cytogenetic location: 16p12.2.
Variant type: single nucleotide variant.
Coding change: c.1155A>G on transcript NM_024675.4 (MANE Select); coding-DNA position 1155, A replaced by G.
Protein change: p.Ala385=; no amino-acid change (alanine 385 retained).
Molecular consequence: synonymous variant.
Genome position (GRCh38, 1-based): chr16:23,635,391, T>C on the plus strand (A>G on the coding strand, the complement: PALB2 is on the minus strand). VCF-style: chr16-23635391-T-C. GRCh37 (hg19) VCF-style: chr16-23646712-T-C.
Identifiers: ClinVar variation 481018 (VCV000481018.15), dbSNP rs1555461431, ClinGen allele CA494461912.

ClinVar aggregate classification (germline): Benign/Likely benign. Review status: criteria provided, multiple submitters, no conflicts (2 of 4 stars). 3 submissions from 3 submitters: Benign (1); Likely benign (2). Last evaluated 2025-01-13.

Conditions:
Hereditary cancer-predisposing syndrome. Also called: Hereditary Cancer Syndrome; Neoplastic Syndromes, Hereditary; Tumor predisposition; Hereditary neoplastic syndrome. Identifiers: Orphanet 140162, MedGen C0027672, MeSH D009386, MONDO:0015356.
Familial cancer of breast. Also called: BREAST CANCER, FAMILIAL; Hereditary breast cancer; hereditary breast carcinoma. Identifiers: Orphanet 227535, MedGen C0346153, MONDO:0016419, OMIM 114480. Disease mechanism: loss of function.

Submissions (3):

Myriad Genetics, Inc.
Classification: Benign for Familial cancer of breast. Last evaluated: 2025-01-13. Review status: criteria provided, single submitter. Criteria: Myriad Autosomal Dominant, Autosomal Recessive and X-Linked Classification Criteria (2023). Collection method: clinical testing. Allele origin: unknown.
Comment: This variant is considered benign. This variant is a silent/synonymous amino acid change and it is not expected to impact splicing.

Labcorp Genetics (formerly Invitae), Labcorp
Classification: Likely benign for Familial cancer of breast. Last evaluated: 2021-04-16. Review status: criteria provided, single submitter. Criteria: Invitae Variant Classification Sherloc (09022015). Collection method: clinical testing. Allele origin: germline.

Ambry Genetics
Classification: Likely benign for Hereditary cancer-predisposing syndrome. Last evaluated: 2016-06-21. Review status: criteria provided, single submitter. Criteria: Ambry Variant Classification Scheme 2023. Collection method: clinical testing. Allele origin: germline.